The following is an entry in ClinVar:

NM_000179.3(MSH6):c.4064C>G (p.Thr1355Ser)

Gene: MSH6 (mutS homolog 6; plus strand). Cytogenetic location: 2p16.3.
Variant type: single nucleotide variant.
Coding change: c.4064C>G on transcript NM_000179.3 (MANE Select); coding-DNA position 4064, C replaced by G.
Protein change: p.Thr1355Ser; replaces threonine 1355 with serine.
Molecular consequence: missense variant.
Genome position (GRCh38, 1-based): chr2:47,806,841, C>G. VCF-style: chr2-47806841-C-G. GRCh37 (hg19) VCF-style: chr2-48033980-C-G.
Other names: c.3674C>G, p.Thr1225Ser (NM_001281492.2); c.3158C>G, p.Thr1053Ser (NM_001281493.2, NM_001281494.2); short protein forms T1355S, T1225S, T1053S.
Identifiers: ClinVar variation 216317 (VCV000216317.28), dbSNP rs863224627, ClinGen allele CA339279.

ClinVar aggregate classification (germline): Conflicting classifications of pathogenicity. Review status: criteria provided, conflicting classifications (1 of 4 stars). 9 submissions from 9 submitters: Uncertain significance (7); Benign (1); Likely benign (1). Last evaluated 2025-11-11.

Conditions:
Hereditary nonpolyposis colorectal neoplasms. Identifiers: MedGen C0009405, MeSH D003123.
Hereditary cancer. Identifiers: MedGen C1333600.
Hereditary cancer-predisposing syndrome. Also called: Hereditary Cancer Syndrome; Tumor predisposition; Hereditary neoplastic syndrome; Neoplastic Syndromes, Hereditary. Identifiers: Orphanet 140162, MedGen C0027672, MeSH D009386, MONDO:0015356.
Lynch syndrome. Identifiers: Orphanet 144, MedGen C4552100, MONDO:0005835. Disease mechanism: loss of function.
Endometrial carcinoma. Also called: Endometrial carcinoma, somatic. Identifiers: MedGen C0476089, MONDO:0002447, OMIM 608089, HP:0012114.

Allele frequency attached by ClinVar (database versions not stated): gnomAD exomes below 0.00001; TOPMed 0.00002; gnomAD 0.00001.
gnomAD v4.1: 6 of 1,609,344 alleles (0.00037%); highest among the groups gnomAD compares: Admixed American, 0.0017%; no homozygotes.

Submissions (9):

Dasa
Classification: Uncertain significance. Last evaluated: 2025-11-11. Review status: criteria provided, single submitter. Criteria: DASA Assertion Criteria. Collection method: clinical testing. Allele origin: germline.
Comment: NM_000179.3(MSH6):c.4064C>G (p.Thr1355Ser) is a missense variant that results in the substitution of threonine with serine. This variant is rare in population databases. The currently available literature and clinical evidence are not sufficient to establish a definitive association between this variant and the reported condition. Therefore, this variant is classified as a variant of uncertain significance.

Labcorp Genetics (formerly Invitae), Labcorp
Classification: Benign for Hereditary nonpolyposis colorectal neoplasms. Last evaluated: 2025-10-20. Review status: criteria provided, single submitter. Criteria: Invitae Variant Classification Sherloc (09022015). Collection method: clinical testing. Allele origin: germline.

Ambry Genetics
Classification: Uncertain significance for Hereditary cancer-predisposing syndrome. Last evaluated: 2025-08-07. Review status: criteria provided, single submitter. Criteria: Ambry Variant Classification Scheme 2023. Collection method: clinical testing. Allele origin: germline.

Mendelics
Classification: Likely benign for Hereditary cancer. Last evaluated: 2024-09-11. Review status: criteria provided, single submitter. Criteria: ACMG Guidelines, 2015. Collection method: clinical testing. Allele origin: unknown.
Comment: This variant is considered likely benign or benign based on one or more of the following: it is predicted to be benign by multiple in silico algorithms, and/or has population frequency not consistent with disease, and/or has normal protein function, and/or has lack of segregation with disease, and/or has been detected in co-occurrence with known pathogenic variant, and/or has lack of disease association in case-control studies, and/or is located in a region inconsistent with a known cause of pathogenicity.

Baylor Genetics
Classification: Uncertain significance for Endometrial carcinoma. Last evaluated: 2024-03-22. Review status: criteria provided, single submitter. Criteria: ACMG Guidelines, 2015. Collection method: clinical testing. Allele origin: unknown.

Color Diagnostics, LLC DBA Color Health
Classification: Uncertain significance for Hereditary cancer-predisposing syndrome. Last evaluated: 2024-03-06. Review status: criteria provided, single submitter. Criteria: ACMG Guidelines, 2015. Collection method: clinical testing. Allele origin: germline.
Comment: This missense variant replaces threonine with serine at codon 1355 of the MSH6 protein. Computational prediction suggests that this variant may not impact protein structure and function (internally defined REVEL score threshold <= 0.5, PMID: 27666373). To our knowledge, functional studies have not been reported for this variant. This variant has not been reported in individuals affected with MSH6-related disorders in the literature. This variant has not been identified in the general population by the Genome Aggregation Database (gnomAD). The available evidence is insufficient to determine the role of this variant in disease conclusively. Therefore, this variant is classified as a Variant of Uncertain Significance.

All of Us Research Program, National Institutes of Health
Classification: Uncertain significance for Lynch syndrome. Last evaluated: 2023-05-16. Review status: criteria provided, single submitter. Criteria: ACMG Guidelines, 2015. Collection method: clinical testing. Allele origin: germline. Inheritance: Autosomal dominant inheritance. Observed: 1 variant allele, 1 heterozygote.
Comment: This missense variant replaces threonine with serine at codon 1355 of the MSH6 protein. Computational prediction suggests that this variant may not impact protein structure and function (internally defined REVEL score threshold <= 0.5, PMID: 27666373). To our knowledge, functional studies have not been reported for this variant. This variant has not been reported in individuals affected with MSH6-related disorders in the literature. This variant has not been identified in the general population by the Genome Aggregation Database (gnomAD). The available evidence is insufficient to determine the role of this variant in disease conclusively. Therefore, this variant is classified as a Variant of Uncertain Significance.

This study involves interpretation of variants in research participants for the purpose of population health screening. Participant phenotype was not available at the time of variant classification. Additional details can be found in publication PMID: 35346344, PMCID: PMC8962531

Quest Diagnostics Nichols Institute San Juan Capistrano
Classification: Uncertain significance. Last evaluated: 2023-01-05. Review status: criteria provided, single submitter. Criteria: Quest Diagnostics criteria. Collection method: clinical testing. Allele origin: unknown.
Comment: The variant has not been reported in the published literature. The frequency of this variant in the general population, 0.0000067 (1/149372 chromosomes), is uninformative in assessment of its pathogenicity. Analysis of this variant using bioinformatics tools for the prediction of the effect of amino acid changes on protein structure and function yielded predictions that this variant is benign. Based on the available information, we are unable to determine the clinical significance of this variant.

GeneDx
Classification: Uncertain significance. Last evaluated: 2022-09-25. Review status: criteria provided, single submitter. Criteria: GeneDx Variant Classification Process June 2021. Collection method: clinical testing. Allele origin: germline. Affected: yes.
Comment: Not observed at significant frequency in large population cohorts (gnomAD); In silico analysis supports that this missense variant does not alter protein structure/function; Has not been previously published as pathogenic or benign to our knowledge; This variant is associated with the following publications: (PMID: 17531815, 21120944, 12019211)